The following is an entry in ClinVar:

ClinVar aggregate classification (germline): Uncertain significance (1 of 4 stars; one submission).

Conditions:
BBS9-related disorder. Also called: BBS9-related condition.

gnomAD v4.1: 1 of 1,612,946 alleles (0.000062%); highest among the groups gnomAD compares: African/African-American, 0.0013%; no homozygotes.

Submission:

PreventionGenetics, part of Exact Sciences
Classification: Uncertain significance for BBS9-related condition. Last evaluated: 2024-11-09. Review status: criteria provided, single submitter. Criteria: ACMG Guidelines, 2015. Collection method: clinical testing. Allele origin: germline.
Comment: The BBS9 c.1469A>T variant is predicted to result in the amino acid substitution p.Tyr490Phe. To our knowledge, this variant has not been reported in the literature or in a large population database (gnomAD), indicating this variant is rare. At this time, the clinical significance of this variant is uncertain due to the absence of conclusive functional and genetic evidence.

NM_198428.3(BBS9):c.1469A>T (p.Tyr490Phe)

Gene: BBS9 (Bardet-Biedl syndrome 9; plus strand). Cytogenetic location: 7p14.3.
Variant type: single nucleotide variant.
Coding change: c.1469A>T on transcript NM_198428.3 (MANE Select); coding-DNA position 1469, A replaced by T.
Protein change: p.Tyr490Phe; replaces tyrosine 490 with phenylalanine.
Molecular consequence: missense variant. On other transcripts: non-coding transcript variant (3), intron variant (5).
Genome position (GRCh38, 1-based): chr7:33,351,255, A>T. VCF-style: chr7-33351255-A-T. GRCh37 (hg19) VCF-style: chr7-33390867-A-T.
Other names: c.1469A>T, p.Tyr490Phe (NM_001033605.2, NM_001348036.1, NM_001348041.4 and 2 more transcripts); c.1103A>T, p.Tyr368Phe (NM_001348037.3, NM_001348045.3, NM_001348046.3); c.1196A>T, p.Tyr399Phe (NM_001348038.3); c.1334A>T, p.Tyr445Phe (NM_001348042.3); c.1160-1604A>T (NM_001348039.3); c.1433-1604A>T (NM_001033604.2); c.1432+2085A>T (NM_014451.4, NM_001348040.3); c.1067-1604A>T (NM_001348044.3); short protein forms Y490F, Y368F, Y445F, Y399F.
Identifiers: ClinVar variation 4985151 (VCV004985151.1).